The following is an entry in ClinVar:

NM_004064.5(CDKN1B):c.151_152del (p.Asp51fs)

Gene: CDKN1B (cyclin dependent kinase inhibitor 1B; plus strand). Cytogenetic location: 12p13.1.
Variant type: Microsatellite.
Coding change: c.151_152del on transcript NM_004064.5 (MANE Select); coding-DNA positions 151 to 152, 2 bases deleted (GA; older notation c.151_152delGA).
Protein change: p.Asp51fs; shifts the reading frame from aspartic acid 51.
Molecular consequence: frameshift variant.
Genome position (GRCh38, 1-based): chr12:12,717,990-12,717,991, GA deleted; deleting any 2 consecutive bases within chr12:12,717,987-12,717,991 gives the same sequence; the c. name uses the placement nearest the transcript's 3' end. VCF-style (leftmost placement, unchanged base first): chr12-12717986-CAG-C. GRCh37 (hg19) VCF-style: chr12-12870920-CAG-C.
Other names: c.151_152del (NM_004064.4); short protein forms D51fs.
Identifiers: ClinVar variation 689357 (VCV000689357.11), dbSNP rs1592280833, ClinGen allele CA915947917.

ClinVar aggregate classification (germline): Pathogenic/Likely pathogenic. Review status: criteria provided, multiple submitters, no conflicts (2 of 4 stars). 2 submissions from 2 submitters: Pathogenic (1); Likely pathogenic (1). Last evaluated 2019-12-30.

Conditions:
Hereditary cancer-predisposing syndrome. Also called: Neoplastic Syndromes, Hereditary; Tumor predisposition; Hereditary neoplastic syndrome; Hereditary Cancer Syndrome. Identifiers: Orphanet 140162, MedGen C0027672, MeSH D009386, MONDO:0015356.
Multiple endocrine neoplasia type 4. Also called: MULTIPLE ENDOCRINE NEOPLASIA, TYPE IV. Identifiers: Orphanet 276152, MedGen C1970712, MONDO:0012552, OMIM 610755.

Submissions (2):

Labcorp Genetics (formerly Invitae), Labcorp
Classification: Pathogenic for Multiple endocrine neoplasia type 4. Last evaluated: 2019-12-30. Review status: criteria provided, single submitter. Criteria: Invitae Variant Classification Sherloc (09022015). Collection method: clinical testing. Allele origin: germline.
Comment: This sequence change creates a premature translational stop signal (p.Asp51Hisfs*73) in the CDKN1B gene. It is expected to result in an absent or disrupted protein product. For these reasons, this variant has been classified as Pathogenic. Loss-of-function variants in CDKN1B are known to be pathogenic (PMID: 17030811, 24819502). This variant has been observed in individual(s) with paraganglioma and breast cancer (PMID: 29909963). This variant is also known as c.148_149delAG (p.Arg50fs) in the literature. This variant is not present in population databases (ExAC no frequency).

Academic Department of Medical Genetics, University of Cambridge
Classification: Likely pathogenic for Hereditary cancer-predisposing syndrome. Last evaluated: 2018-01-26. Review status: criteria provided, single submitter. Criteria: ACMG Guidelines, 2015. Collection method: research. Allele origin: germline. Affected: yes. Observed: 1 heterozygote.
Comment: Application of AMCG guidelines 2015. Used other ClinVar submission evidence where relevant. Loss of heterozygosity in tumours or immunohistochemistry abnormalities considered functional evidence of pathogenicity.

Identified as part of research study of individuals with multiple primary tumours referred for genetic assessment

Literature cited by the submitters: PubMed 17030811 (cited by Labcorp Genetics (formerly Invitae), Labcorp); PubMed 24819502 (cited by Labcorp Genetics (formerly Invitae), Labcorp); PubMed 29909963 (cited by Labcorp Genetics (formerly Invitae), Labcorp).